The following is an entry in ClinVar:

ClinVar aggregate classification (germline): Uncertain significance (1 of 4 stars; one submission).

Conditions:
Familial thoracic aortic aneurysm and aortic dissection (TAAD). Also called: Thoracic aortic aneurysms and dissections. Identifiers: Orphanet 91387, MedGen C4707243, MONDO:0019625.

Submission:

Ambry Genetics
Classification: Uncertain significance for Familial thoracic aortic aneurysm and aortic dissection. Last evaluated: 2024-01-13. Review status: criteria provided, single submitter. Criteria: Ambry Variant Classification Scheme 2023. Collection method: clinical testing. Allele origin: germline.
Comment: The p.K1813M variant (also known as c.5438A>T), located in coding exon 30 of the MYLK gene, results from an A to T substitution at nucleotide position 5438. The lysine at codon 1813 is replaced by methionine, an amino acid with similar properties. This amino acid position is conserved. In addition, the in silico prediction for this alteration is inconclusive. Since supporting evidence is limited at this time, the clinical significance of this alteration remains unclear.

NM_053025.4(MYLK):c.5438A>T (p.Lys1813Met)

Genes: MYLK-AS1 (MYLK antisense RNA 1; plus strand), MYLK (myosin light chain kinase; minus strand). Cytogenetic location: 3q21.1.
Variant type: single nucleotide variant.
Coding change: c.5438A>T on transcript NM_053025.4 (MANE Select); coding-DNA position 5438, A replaced by T.
Protein change: p.Lys1813Met; replaces lysine 1813 with methionine.
Molecular consequence: missense variant.
Genome position (GRCh38, 1-based): chr3:123,618,701, T>A on the plus strand (A>T on the coding strand, the complement: MYLK is on the minus strand). VCF-style: chr3-123618701-T-A. GRCh37 (hg19) VCF-style: chr3-123337548-T-A.
Other names: c.4910A>T, p.Lys1637Met (NM_001321309.2); c.5231A>T, p.Lys1744Met (NM_053026.4); c.5285A>T, p.Lys1762Met (NM_053027.4); c.5078A>T, p.Lys1693Met (NM_053028.4); c.155A>T, p.Lys52Met (NM_053031.4); c.158A>T, p.Lys53Met (NM_053032.4); short protein forms K1637M, K1693M, K1744M, K1762M, K1813M, K52M, K53M.
Identifiers: ClinVar variation 3228927 (VCV003228927.1), dbSNP rs762029282, ClinGen allele CA354230997.